The following is an entry in ClinVar:

ClinVar aggregate classification (germline): Conflicting classifications of pathogenicity. Review status: criteria provided, conflicting classifications (1 of 4 stars). 3 submissions from 3 submitters: Likely pathogenic (2); Uncertain significance (1). Last evaluated 2024-10-26.

Conditions:
TBX6-related disorder. Also called: TBX6-related condition.
Inborn genetic diseases. Identifiers: MedGen C0950123, MeSH D030342.

Allele frequency attached by ClinVar (database versions not stated): ExAC 0.00002; gnomAD 0.00002 and 0.00003; gnomAD exomes 0.00002 and 0.00003; TOPMed 0.00002.
gnomAD v4.1: 31 of 1,613,790 alleles (0.0019%); highest among the groups gnomAD compares: South Asian, 0.0077%; no homozygotes.

Submissions (3):

Labcorp Genetics (formerly Invitae), Labcorp
Classification: Uncertain significance. Last evaluated: 2024-10-26. Review status: criteria provided, single submitter. Criteria: Invitae Variant Classification Sherloc (09022015). Collection method: clinical testing. Allele origin: germline.
Comment: This sequence change replaces arginine, which is basic and polar, with histidine, which is basic and polar, at codon 171 of the TBX6 protein (p.Arg171His). This variant is present in population databases (rs768465241, gnomAD 0.006%). This variant has not been reported in the literature in individuals affected with TBX6-related conditions. ClinVar contains an entry for this variant (Variation ID: 208772). Invitae Evidence Modeling of protein sequence and biophysical properties (such as structural, functional, and spatial information, amino acid conservation, physicochemical variation, residue mobility, and thermodynamic stability) indicates that this missense variant is expected to disrupt TBX6 protein function with a positive predictive value of 80%. In summary, the available evidence is currently insufficient to determine the role of this variant in disease. Therefore, it has been classified as a Variant of Uncertain Significance.

Blueprint Genetics
Classification: Likely pathogenic for TBX6-related disorders. Last evaluated: 2024-09-10. Review status: criteria provided, single submitter. Criteria: ACMG Guidelines, 2015. Collection method: clinical testing. Allele origin: germline. Affected: yes. Observed: 3 variant alleles.

Ambry Genetics
Classification: Likely pathogenic for Inborn genetic diseases. Last evaluated: 2014-11-25. Review status: criteria provided, single submitter. Criteria: Ambry exome assertion method (8-5-2015). Collection method: clinical testing. Allele origin: germline. Affected: yes. Observed: 1 variant allele.

NM_004608.4(TBX6):c.512G>A (p.Arg171His)

Gene: TBX6 (T-box transcription factor 6; minus strand). Cytogenetic location: 16p11.2.
Variant type: single nucleotide variant.
Coding change: c.512G>A on transcript NM_004608.4 (MANE Select); coding-DNA position 512, G replaced by A.
Protein change: p.Arg171His; replaces arginine 171 with histidine.
Molecular consequence: missense variant.
Genome position (GRCh38, 1-based): chr16:30,089,052, C>T on the plus strand (G>A on the coding strand, the complement: TBX6 is on the minus strand). VCF-style: chr16-30089052-C-T. GRCh37 (hg19) VCF-style: chr16-30100373-C-T.
Other names: short protein forms R171H.
Identifiers: ClinVar variation 208772 (VCV000208772.9), dbSNP rs768465241, ClinGen allele CA204870.